The following is an entry in ClinVar:

ClinVar aggregate classification (germline): Conflicting classifications of pathogenicity. Review status: criteria provided, conflicting classifications (1 of 4 stars). 2 submissions from 2 submitters: Likely pathogenic (1); Uncertain significance (1). Last evaluated 2026-03-20.

Conditions:
Developmental and epileptic encephalopathy 91. Also called: EPILEPTIC ENCEPHALOPATHY, INFANTILE OR EARLY CHILDHOOD, 1. Identifiers: MedGen C4540199, MONDO:0020630, OMIM 617711.

Submissions (2):

GeneDx
Classification: Uncertain significance. Last evaluated: 2026-03-20. Review status: criteria provided, single submitter. Criteria: GeneDx Variant Classification Process June 2021. Collection method: clinical testing. Allele origin: germline.
Comment: Not observed at significant frequency in large population cohorts (gnomAD); In silico analysis supports that this missense variant has a deleterious effect on protein structure/function; Has not been previously published as pathogenic or benign to our knowledge

Variantyx, Inc.
Classification: Likely pathogenic for Developmental and epileptic encephalopathy 91. Last evaluated: 2025-06-30. Review status: criteria provided, single submitter. Criteria: Variantyx Assertion Criteria 2022. Collection method: clinical testing. Allele origin: de novo. Inheritance: Autosomal dominant inheritance. Affected: yes.
Comment: This is a nonsynonymous variant in the PPP3CA gene (OMIM: 114105). Pathogenic variants in this gene have been associated with autosomal dominant developmental and epileptic encephalopathy 91 (PMID: 28942967, 29432562). An alternate amino acid change at this position (p.Asp118Asn) has been reported; however, its pathogenicity has not been established (ClinVar ID: 3342869). Multiple computational algorithms predict a deleterious effect for this variant (REVEL score: 0.972) (PP3). This variant is absent from control populations (PM2). Based on the current evidence, this variant is classified as likely pathogenic for autosomal dominant developmental and epileptic encephalopathy 91.

Literature cited by the submitters: PubMed 28942967 (cited by Variantyx, Inc.); PubMed 29432562 (cited by Variantyx, Inc.).

NM_000944.5(PPP3CA):c.353A>G (p.Asp118Gly)

Gene: PPP3CA (protein phosphatase 3 catalytic subunit alpha; minus strand). Cytogenetic location: 4q24.
Variant type: single nucleotide variant.
Coding change: c.353A>G on transcript NM_000944.5 (MANE Select); coding-DNA position 353, A replaced by G.
Protein change: p.Asp118Gly; replaces aspartic acid 118 with glycine.
Molecular consequence: missense variant.
Genome position (GRCh38, 1-based): chr4:101,108,985, T>C on the plus strand (A>G on the coding strand, the complement: PPP3CA is on the minus strand). VCF-style: chr4-101108985-T-C. GRCh37 (hg19) VCF-style: chr4-102030142-T-C.
Other names: c.353A>G (NM_000944.4); c.353A>G, p.Asp118Gly (NM_001130691.2, NM_001130692.2); short protein forms D118G.
Identifiers: ClinVar variation 4813743 (VCV004813743.2).